The following is an entry in ClinVar:

ClinVar aggregate classification (germline): Likely benign (1 of 4 stars; one submission).

Allele frequency attached by ClinVar (database versions not stated): gnomAD 0.00024; gnomAD exomes 0.00076.
gnomAD v4.1: 37 of 153,678 alleles (0.024%); highest among the groups gnomAD compares: Non-Finnish European, 0.054%; no homozygotes.

Submission:

CeGaT Center for Human Genetics Tuebingen
Classification: Likely benign. Last evaluated: 2026-07-01. Review status: criteria provided, single submitter. Criteria: CeGaT Center For Human Genetics Tuebingen Variant Classification Criteria Version 2. Collection method: clinical testing. Allele origin: germline. Affected: yes. Observed: 2 variant alleles.
Comment: KCNN2: BS2

NM_001372233.1(KCNN2):c.114G>C (p.Gln38His)

Gene: KCNN2 (potassium calcium-activated channel subfamily N member 2; plus strand). Cytogenetic location: 5q22.3.
Variant type: single nucleotide variant.
Coding change: c.114G>C on transcript NM_001372233.1; coding-DNA position 114, G replaced by C.
Protein change: p.Gln38His; replaces glutamine 38 with histidine.
Molecular consequence: missense variant.
Genome position (GRCh38, 1-based): chr5:114,362,055, G>C. VCF-style: chr5-114362055-G-C. GRCh37 (hg19) VCF-style: chr5-113697752-G-C.
Other names: short protein forms Q38H.
Identifiers: ClinVar variation 3250533 (VCV003250533.17), dbSNP rs1039632660.